The following is an entry in ClinVar:

NC_000007.13:g.(?_151252200)_(151575316_?)del

Gene: PRKAG2 (protein kinase AMP-activated non-catalytic subunit gamma 2; minus strand). Cytogenetic location: 7q36.1.
Variant type: Deletion.
Identifiers: ClinVar variation 833236 (VCV000833236.2).

ClinVar aggregate classification (germline): Uncertain significance (1 of 4 stars; one submission).

Conditions:
Lethal congenital glycogen storage disease of heart. Also called: GLYCOGEN STORAGE DISEASE OF HEART; PHOSPHORYLASE KINASE DEFICIENCY OF HEART. Identifiers: Orphanet 439854, MedGen C1849813, MONDO:0009867, OMIM 261740.

Submission:

Labcorp Genetics (formerly Invitae), Labcorp
Classification: Uncertain significance for Lethal congenital glycogen storage disease of heart. Last evaluated: 2020-07-27. Review status: criteria provided, single submitter. Criteria: Invitae Variant Classification Sherloc (09022015). Collection method: clinical testing. Allele origin: germline.
Comment: A gross deletion of the genomic region encompassing the full coding sequence of the PRKAG2 gene has been identified. The boundaries of this event are unknown as the deletion extends beyond the assayed region for this gene and therefore may encompass additional genes. This variant has not been reported in the literature in individuals with PRKAG2-related conditions. The current clinical and genetic evidence is not sufficient to establish whether loss-of-function variants in PRKAG2 cause disease. In summary, the available evidence is currently insufficient to determine the role of this variant in disease. Therefore, it has been classified as a Variant of Uncertain Significance.